The following is an entry in ClinVar:

ClinVar aggregate classification (germline): Uncertain significance (1 of 4 stars; one submission).

Conditions:
MEGF10-related myopathy (CMYO10A). Also called: Congenital myopathy 10A, severe variant. Identifiers: Orphanet 439212, MedGen C3280679, MONDO:0013731, OMIM 614399.

Allele frequency attached by ClinVar (database versions not stated): gnomAD exomes below 0.00001; gnomAD 0.00001.
gnomAD v4.1: 2 of 1,612,820 alleles (0.00012%); highest among the groups gnomAD compares: African/African-American, 0.0027%; no homozygotes.

Submission:

Labcorp Genetics (formerly Invitae), Labcorp
Classification: Uncertain significance for MEGF10-related myopathy. Last evaluated: 2022-08-21. Review status: criteria provided, single submitter. Criteria: Invitae Variant Classification Sherloc (09022015). Collection method: clinical testing. Allele origin: germline.
Comment: This sequence change disrupts the translational stop signal of the MEGF10 mRNA. It is expected to extend the length of the MEGF10 protein by 7 additional amino acid residues. In summary, the available evidence is currently insufficient to determine the role of this variant in disease. Therefore, it has been classified as a Variant of Uncertain Significance. Experimental studies and prediction algorithms are not available or were not evaluated, and the functional significance of this variant is currently unknown. ClinVar contains an entry for this variant (Variation ID: 1347745). This variant has not been reported in the literature in individuals affected with MEGF10-related conditions. This variant is not present in population databases (gnomAD no frequency).

NM_001256545.2(MEGF10):c.3421T>A (p.Ter1141Arg)

Gene: MEGF10 (multiple EGF like domains 10; plus strand). Cytogenetic location: 5q23.2.
Variant type: single nucleotide variant.
Coding change: c.3421T>A on transcript NM_001256545.2 (MANE Select); coding-DNA position 3421, T replaced by A.
Protein change: p.Ter1141Arg.
Molecular consequence: stop lost.
Genome position (GRCh38, 1-based): chr5:127,457,316, T>A. VCF-style: chr5-127457316-T-A. GRCh37 (hg19) VCF-style: chr5-126793008-T-A.
Other names: c.3421T>A, p.Ter1141Arg (NM_032446.3).
Identifiers: ClinVar variation 1347745 (VCV001347745.6), dbSNP rs61738064, ClinGen allele CA126954131.